The following is an entry in ClinVar:

NM_001127222.2(CACNA1A):c.5473C>T (p.Pro1825Ser)

Gene: CACNA1A (calcium voltage-gated channel subunit alpha1 A; minus strand). Cytogenetic location: 19p13.13.
Variant type: single nucleotide variant.
Coding change: c.5473C>T on transcript NM_001127222.2 (MANE Select); coding-DNA position 5473, C replaced by T.
Protein change: p.Pro1825Ser; replaces proline 1825 with serine.
Molecular consequence: missense variant.
Genome position (GRCh38, 1-based): chr19:13,230,137, G>A on the plus strand (C>T on the coding strand, the complement: CACNA1A is on the minus strand). VCF-style: chr19-13230137-G-A. GRCh37 (hg19) VCF-style: chr19-13340951-G-A.
Other names: c.5491C>T, p.Pro1831Ser (NM_000068.4, NM_023035.3); c.5476C>T, p.Pro1826Ser (NM_001127221.2); c.5482C>T, p.Pro1828Ser (NM_001174080.2); short protein forms P1825S, P1828S, P1826S, P1831S.
Identifiers: ClinVar variation 2951405 (VCV002951405.3), dbSNP rs2512617839, ClinGen allele CA404333535.

ClinVar aggregate classification (germline): Uncertain significance (1 of 4 stars; one submission).

Conditions:
Episodic ataxia type 2 (EA2). Also called: CEREBELLAR ATAXIA, PAROXYSMAL, ACETAZOLAMIDE-RESPONSIVE; CEREBELLOPATHY, HEREDITARY PAROXYSMAL; EPISODIC ATAXIA, NYSTAGMUS-ASSOCIATED; ACETAZOLAMIDE-RESPONSIVE HEREDITARY PAROXYSMAL CEREBELLAR ATAXIA; ATAXIA, EPISODIC, WITH NYSTAGMUS; ATAXIA, FAMILIAL PAROXYSMAL. Identifiers: Orphanet 97, MedGen C1720416, MONDO:0007163, OMIM 108500.
Developmental and epileptic encephalopathy, 42 (DEE42A). Also called: Epileptic encephalopathy, early infantile, 42; DEVELOPMENTAL AND EPILEPTIC ENCEPHALOPATHY 42A; EPILEPTIC ENCEPHALOPATHY, EARLY INFANTILE, 42A. Identifiers: MedGen C4310716, MONDO:0014917, OMIM 617106.

Submission:

Labcorp Genetics (formerly Invitae), Labcorp
Classification: Uncertain significance for Developmental and epileptic encephalopathy, 42; Episodic ataxia type 2. Last evaluated: 2023-08-29. Review status: criteria provided, single submitter. Criteria: Invitae Variant Classification Sherloc (09022015). Collection method: clinical testing. Allele origin: germline.
Comment: Advanced modeling of protein sequence and biophysical properties (such as structural, functional, and spatial information, amino acid conservation, physicochemical variation, residue mobility, and thermodynamic stability) performed at Invitae indicates that this missense variant is expected to disrupt CACNA1A protein function. This sequence change replaces proline, which is neutral and non-polar, with serine, which is neutral and polar, at codon 1826 of the CACNA1A protein (p.Pro1826Ser). This variant is not present in population databases (gnomAD no frequency). This variant has not been reported in the literature in individuals affected with CACNA1A-related conditions. In summary, the available evidence is currently insufficient to determine the role of this variant in disease. Therefore, it has been classified as a Variant of Uncertain Significance.